The following is an entry in ClinVar:

NM_001256627.2(BRSK2):c.92-5C>A

Gene: BRSK2 (BR serine/threonine kinase 2; plus strand). Cytogenetic location: 11p15.5.
Variant type: single nucleotide variant.
Coding change: c.92-5C>A on transcript NM_001256627.2 (MANE Select); 5 bases into the intron before coding-DNA position 92, C replaced by A.
Molecular consequence: intron variant.
Genome position (GRCh38, 1-based): chr11:1,436,035, C>A. VCF-style: chr11-1436035-C-A. GRCh37 (hg19) VCF-style: chr11-1457265-C-A.
Other names: c.92-5C>A (NM_001440665.1, NM_001440668.1, NM_001440670.1 and 3 more transcripts); c.-89-5C>A (NM_001440674.1, NM_001440671.1, NM_001440672.1 and 5 more transcripts); c.230-5C>A (NM_001256630.1, NM_001440667.1).
Identifiers: ClinVar variation 4854539 (VCV004854539.1).

ClinVar aggregate classification (germline): Uncertain significance (1 of 4 stars; one submission).

Conditions:
BRSK2-related disorder. Also called: BRSK2-related condition; BRSK2-Related Disorders.

Submission:

3billion
Classification: Uncertain significance for BRSK2-related disorder. Last evaluated: 2025-06-20. Review status: criteria provided, single submitter. Criteria: ACMG Guidelines, 2015. Collection method: clinical testing. Allele origin: germline. Affected: yes.
Comment: The variant is not observed in the gnomAD v4.1.0 dataset. Predicted Consequence/Location: Intron variant In silico tools predict the variant to alter splicing and produce an abnormal transcript [SpliceAI: 0.91 (>=0.2, moderate evidence for spliceogenicity)]. Therefore, this variant is classified as VUS according to the recommendation of ACMG/AMP guideline.